The following is an entry in ClinVar:

ClinVar aggregate classification (germline): Uncertain significance (1 of 4 stars; one submission).

Conditions:
Autosomal dominant polycystic kidney disease. Identifiers: Orphanet 730, MedGen C0085413, MONDO:0004691.

Allele frequency attached by ClinVar (database versions not stated): gnomAD exomes below 0.00001.
gnomAD v4.1: 1 of 1,197,754 alleles (0.000083%); highest among the groups gnomAD compares: Non-Finnish European, 0.0001%; no homozygotes.

Submission:

Labcorp Genetics (formerly Invitae), Labcorp
Classification: Uncertain significance for Autosomal dominant polycystic kidney disease. Last evaluated: 2022-06-04. Review status: criteria provided, single submitter. Criteria: Invitae Variant Classification Sherloc (09022015). Collection method: clinical testing. Allele origin: germline.
Comment: This variant has not been reported in the literature in individuals affected with PKD2-related conditions. ClinVar contains an entry for this variant (Variation ID: 1439222). Algorithms developed to predict the effect of missense changes on protein structure and function are either unavailable or do not agree on the potential impact of this missense change (SIFT: "Tolerated"; PolyPhen-2: "Possibly Damaging"; Align-GVGD: "Class C0"). In summary, the available evidence is currently insufficient to determine the role of this variant in disease. Therefore, it has been classified as a Variant of Uncertain Significance. This variant is not present in population databases (gnomAD no frequency). This sequence change replaces glutamine, which is neutral and polar, with arginine, which is basic and polar, at codon 8 of the PKD2 protein (p.Gln8Arg).

NM_000297.4(PKD2):c.23A>G (p.Gln8Arg)

Genes: PKD2 (polycystin 2, transient receptor potential cation channel; plus strand), LOC129992813 (ATAC-STARR-seq lymphoblastoid silent region 15559; plus strand). Cytogenetic location: 4q22.1.
Variant type: single nucleotide variant.
Coding change: c.23A>G on transcript NM_000297.4 (MANE Select); coding-DNA position 23, A replaced by G.
Protein change: p.Gln8Arg; replaces glutamine 8 with arginine.
Molecular consequence: missense variant. On other transcripts: non-coding transcript variant (1).
Genome position (GRCh38, 1-based): chr4:88,007,756, A>G. VCF-style: chr4-88007756-A-G. GRCh37 (hg19) VCF-style: chr4-88928908-A-G.
Other names: short protein forms Q8R.
Identifiers: ClinVar variation 1439222 (VCV001439222.8), dbSNP rs2110080023, ClinGen allele CA357624815.